The following is an entry in ClinVar:

ClinVar aggregate classification (germline): Uncertain significance. Review status: criteria provided, multiple submitters, no conflicts (2 of 4 stars). 5 submissions from 5 submitters: Uncertain significance (5). Last evaluated 2023-04-17.

Conditions:
Oculocutaneous albinism type 1A (OCA1A). Also called: Albinism, oculocutaneous, type IA. Identifiers: Orphanet 352731, Orphanet 79431, MedGen C4551504, MONDO:0008745, OMIM 203100. Disease mechanism: loss of function.
Oculocutaneous albinism type 1B (OCA1B). Also called: ALBINISM, OCULOCUTANEOUS, TYPE IB; ALBINISM, YELLOW MUTANT TYPE; YELLOW ALBINISM. Identifiers: Orphanet 352731, Orphanet 352737, Orphanet 79434, MedGen C1847024, MONDO:0011749, OMIM 606952.
SKIN/HAIR/EYE PIGMENTATION 3, LIGHT/DARK SKIN (SHEP3). Also called: SKIN/HAIR/EYE PIGMENTATION, VARIATION IN, 3; SKIN/HAIR/EYE PIGMENTATION 3, BLUE/GREEN EYE COLOR; SKIN/HAIR/EYE PIGMENTATION 3, FRECKLING; EYE COLOR 1; EYE COLOR, GREEN/BLUE. Identifiers: MedGen C2677190, OMIM 601800.

Allele frequency attached by ClinVar (database versions not stated): TOPMed 0.00016; gnomAD 0.00037; 1000 Genomes Project 0.00120; 1000 Genomes Project 30x 0.00125.
gnomAD v4.1: 98 of 1,613,316 alleles (0.0061%); highest among the groups gnomAD compares: Admixed American, 0.13%; 1 homozygote.

Submissions (5):

Blueprint Genetics
Classification: Uncertain significance. Last evaluated: 2023-04-17. Review status: criteria provided, single submitter. Criteria: ACMG Guidelines, 2015. Collection method: clinical testing. Allele origin: germline.

Labcorp Genetics (formerly Invitae), Labcorp
Classification: Uncertain significance. Last evaluated: 2022-08-22. Review status: criteria provided, single submitter. Criteria: Invitae Variant Classification Sherloc (09022015). Collection method: clinical testing. Allele origin: germline.
Comment: This sequence change replaces aspartic acid, which is acidic and polar, with valine, which is neutral and non-polar, at codon 356 of the TYR protein (p.Asp356Val). This variant is present in population databases (rs180801021, gnomAD 0.03%). This variant has not been reported in the literature in individuals affected with TYR-related conditions. ClinVar contains an entry for this variant (Variation ID: 196258). Advanced modeling of protein sequence and biophysical properties (such as structural, functional, and spatial information, amino acid conservation, physicochemical variation, residue mobility, and thermodynamic stability) performed at Invitae indicates that this missense variant is expected to disrupt TYR protein function. In summary, the available evidence is currently insufficient to determine the role of this variant in disease. Therefore, it has been classified as a Variant of Uncertain Significance.

Fulgent Genetics
Classification: Uncertain significance for Oculocutaneous albinism type 1A; SKIN/HAIR/EYE PIGMENTATION 3, LIGHT/DARK SKIN; Oculocutaneous albinism type 1B. Last evaluated: 2022-03-11. Review status: criteria provided, single submitter. Criteria: ACMG Guidelines, 2015. Collection method: clinical testing. Allele origin: unknown.

Department of Pathology and Laboratory Medicine, Sinai Health System
Classification: Uncertain significance for Oculocutaneous albinism type 1A; Oculocutaneous albinism type 1B. Last evaluated: 2021-09-23. Review status: criteria provided, single submitter. Criteria: ACMG Guidelines, 2015. Collection method: research. Allele origin: germline.

Eurofins Ntd Llc (ga)
Classification: Uncertain significance. Last evaluated: 2014-10-28. Review status: criteria provided, single submitter. Criteria: EGL Classification Definitions 2015. Collection method: clinical testing. Allele origin: germline. Observed: 1 variant allele, 1 heterozygote.

NM_000372.5(TYR):c.1067A>T (p.Asp356Val)

Gene: TYR (tyrosinase; plus strand). Cytogenetic location: 11q14.3.
Variant type: single nucleotide variant.
Coding change: c.1067A>T on transcript NM_000372.5 (MANE Select); coding-DNA position 1067, A replaced by T.
Protein change: p.Asp356Val; replaces aspartic acid 356 with valine.
Molecular consequence: missense variant.
Genome position (GRCh38, 1-based): chr11:89,227,853, A>T. VCF-style: chr11-89227853-A-T. GRCh37 (hg19) VCF-style: chr11-88961021-A-T.
Other names: short protein forms D356V.
Identifiers: ClinVar variation 196258 (VCV000196258.9), dbSNP rs180801021, ClinGen allele CA243147.